The following is an entry in ClinVar:

ClinVar aggregate classification (germline): Uncertain significance (1 of 4 stars; one submission).

Conditions:
Developmental and epileptic encephalopathy, 53. Also called: Epileptic encephalopathy, early infantile, 53. Identifiers: MedGen C4479313, MONDO:0033362, OMIM 617389.
Early-onset Parkinson disease 20. Also called: PARKINSON DISEASE 20, AUTOSOMAL RECESSIVE EARLY-ONSET. Identifiers: Orphanet 391411, MedGen C3809824, MONDO:0014233, OMIM 615530.

Allele frequency attached by ClinVar (database versions not stated): gnomAD exomes below 0.00001; gnomAD 0.00001 and 0.00002.
gnomAD v4.1: 3 of 1,613,468 alleles (0.00019%); highest among the groups gnomAD compares: African/African-American, 0.004%; no homozygotes.

Submission:

Labcorp Genetics (formerly Invitae), Labcorp
Classification: Uncertain significance for Developmental and epileptic encephalopathy, 53; Early-onset Parkinson disease 20. Last evaluated: 2021-10-20. Review status: criteria provided, single submitter. Criteria: Invitae Variant Classification Sherloc (09022015). Collection method: clinical testing. Allele origin: germline.
Comment: This sequence change replaces leucine with valine at codon 438 of the SYNJ1 protein (p.Leu438Val). The leucine residue is highly conserved and there is a small physicochemical difference between leucine and valine. This variant is not present in population databases (ExAC no frequency). This variant has not been reported in the literature in individuals affected with SYNJ1-related conditions. Algorithms developed to predict the effect of missense changes on protein structure and function are either unavailable or do not agree on the potential impact of this missense change (SIFT: "Tolerated"; PolyPhen-2: "Possibly Damaging"; Align-GVGD: "Class C0"). In summary, the available evidence is currently insufficient to determine the role of this variant in disease. Therefore, it has been classified as a Variant of Uncertain Significance.

NM_203446.3(SYNJ1):c.1195T>G (p.Leu399Val)

Gene: SYNJ1 (synaptojanin 1; minus strand). Cytogenetic location: 21q22.11.
Variant type: single nucleotide variant.
Coding change: c.1195T>G on transcript NM_203446.3 (MANE Select); coding-DNA position 1195, T replaced by G.
Protein change: p.Leu399Val; replaces leucine 399 with valine.
Molecular consequence: missense variant.
Genome position (GRCh38, 1-based): chr21:32,684,043, A>C on the plus strand (T>G on the coding strand, the complement: SYNJ1 is on the minus strand). VCF-style: chr21-32684043-A-C. GRCh37 (hg19) VCF-style: chr21-34056353-A-C.
Other names: c.1195T>G, p.Leu399Val (NM_001160302.2, NM_001160306.2); c.1312T>G, p.Leu438Val (NM_003895.4); short protein forms L438V, L399V.
Identifiers: ClinVar variation 1365199 (VCV001365199.6), dbSNP rs1302356872, ClinGen allele CA410091471.
Genomic context (GRCh38, chr21:32,684,043, plus strand): 5'-AGCACTTAAAGAGGCAGATGATACAAGGCACATACATTTTAATTTATTCTTTTACCTCTA[A>C]GCCAAGAAATGCCTGCACACTATTTGTTCTATCAAGACAATCCAAGCAGTTTGTTCGAAC-3'
Protein context (NP_982271.3, residues 389-409): RTNSVQAFLG[Leu399Val]EMLAKQLEAL